The following is an entry in ClinVar:

ClinVar aggregate classification (germline): Uncertain significance (1 of 4 stars; one submission).

Allele frequency attached by ClinVar (database versions not stated): gnomAD 0.00001; TOPMed 0.00001.
gnomAD v4.1: 11 of 1,607,170 alleles (0.00068%); highest among the groups gnomAD compares: Non-Finnish European, 0.00093%; no homozygotes.

Submission:

Labcorp Genetics (formerly Invitae), Labcorp
Classification: Uncertain significance. Last evaluated: 2022-03-08. Review status: criteria provided, single submitter. Criteria: Invitae Variant Classification Sherloc (09022015). Collection method: clinical testing. Allele origin: germline.
Comment: In summary, the available evidence is currently insufficient to determine the role of this variant in disease. Therefore, it has been classified as a Variant of Uncertain Significance. Algorithms developed to predict the effect of missense changes on protein structure and function are either unavailable or do not agree on the potential impact of this missense change (SIFT: "Deleterious"; PolyPhen-2: "Benign"; Align-GVGD: "Class C0"). This variant has not been reported in the literature in individuals affected with SPEG-related conditions. This variant is not present in population databases (gnomAD no frequency). This sequence change replaces valine, which is neutral and non-polar, with methionine, which is neutral and non-polar, at codon 2302 of the SPEG protein (p.Val2302Met).

NM_005876.5(SPEG):c.6904G>A (p.Val2302Met)

Genes: ASIC4-AS1 (ASIC4 antisense RNA 1; minus strand), SPEG (striated muscle enriched protein kinase; plus strand). Cytogenetic location: 2q35.
Variant type: single nucleotide variant.
Coding change: c.6904G>A on transcript NM_005876.5 (MANE Select); coding-DNA position 6904, G replaced by A.
Protein change: p.Val2302Met; replaces valine 2302 with methionine.
Molecular consequence: missense variant.
Genome position (GRCh38, 1-based): chr2:219,484,367, G>A. VCF-style: chr2-219484367-G-A. GRCh37 (hg19) VCF-style: chr2-220349089-G-A.
Other names: short protein forms V2302M.
Identifiers: ClinVar variation 1464063 (VCV001464063.6), dbSNP rs78698533, ClinGen allele CA350700064.